The following is an entry in ClinVar:

NM_000257.4(MYH7):c.1119G>A (p.Ala373=)

Gene: MYH7 (myosin heavy chain 7; minus strand). Cytogenetic location: 14q11.2.
Variant type: single nucleotide variant.
Coding change: c.1119G>A on transcript NM_000257.4 (MANE Select); coding-DNA position 1119, G replaced by A.
Protein change: p.Ala373=; no amino-acid change (alanine 373 retained).
Molecular consequence: synonymous variant.
Genome position (GRCh38, 1-based): chr14:23,429,794, C>T on the plus strand (G>A on the coding strand, the complement: MYH7 is on the minus strand). VCF-style: chr14-23429794-C-T. GRCh37 (hg19) VCF-style: chr14-23899003-C-T.
Other names: p.A373A:GCG>GCA; NM_000257.3(MYH7):c.1119G>A.
Identifiers: ClinVar variation 138391 (VCV000138391.49), dbSNP rs572672362, ClinGen allele CA010221.

ClinVar aggregate classification (germline): Benign. Review status: reviewed by expert panel (3 of 4 stars). 14 submissions from 12 submitters: Benign (1). 13 of the submissions do not count toward it. Last evaluated 2025-11-11.

Conditions:
Myosin storage myopathy (CMYO7A). Also called: MYOPATHY, HYALINE BODY, AUTOSOMAL DOMINANT; SCAPULOPERONEAL MUSCULAR DYSTROPHY; SCAPULOPERONEAL SYNDROME, MYOPATHIC TYPE; Scapuloperoneal myopathy, MYH7-related; MYOPATHY WITH LYSIS OF TYPE I MYOFIBRILS; MYH7-related late-onset scapuloperoneal muscular dystrophy. Identifiers: Orphanet 437572, Orphanet 636965, MedGen C1842160, MONDO:0008409, OMIM 608358.
Cardiovascular phenotype. Identifiers: MedGen CN230736.
MYH7-related disorder. Also called: MYH7-related disorders; MYH7-related condition; MYH7-related disease.
Hypertrophic cardiomyopathy 1 (CMH1). Also called: Familial hypertrophic cardiomyopathy 1; MYH7-Related Familial Hypertrophic Cardiomyopathy. Identifiers: MedGen C3495498, MONDO:0008647, OMIM 192600.
Cardiomyopathy (CMYO). Also called: Cardiomyopathies. Identifiers: Orphanet 167848, MedGen C0878544, MONDO:0004994, HP:0001638. Inheritance: Various modes of inheritance.
MYH7-related skeletal myopathy. Also called: Laing early-onset distal myopathy; Myopathy, distal, 1; MYOPATHY, DISTAL, EARLY-ONSET, AUTOSOMAL DOMINANT; MYOPATHY, LATE DISTAL HEREDITARY; Laing distal myopathy. Identifiers: Orphanet 59135, MedGen C4552004, MONDO:0008050, OMIM 160500.
Hypertrophic cardiomyopathy. Also called: HYPERTROPHIC MYOCARDIOPATHY. Identifiers: Orphanet 217569, MedGen C0007194, MeSH D002312, MONDO:0005045, HP:0001639.

Allele frequency attached by ClinVar (database versions not stated): gnomAD 0.00001; TOPMed 0.00015; ExAC 0.00019; 1000 Genomes Project 0.00020; 1000 Genomes Project 30x 0.00031.
gnomAD v4.1: 73 of 1,612,882 alleles (0.0045%); highest among the groups gnomAD compares: Admixed American, 0.1%; no homozygotes.

Submissions (14):

ClinGen Cardiomyopathy Variant Curation Expert Panel
Classification: Benign for Hypertrophic cardiomyopathy. Last evaluated: 2025-11-11. Review status: reviewed by expert panel. Criteria: ClinGen CMP ACMG Specifications v1. Collection method: curation. Allele origin: germline. Inheritance: Autosomal dominant inheritance.
Comment: The filtering allele frequency of the c.1119G>A (p.Ala373=) variant in the MYH7 gene is 0.12% (21/11578) of Latino chromosomes by the Exome Aggregation Consortium, which is a high enough frequency to be classified as benign based on thresholds defined by the ClinGen Inherited Cardiomyopathy Expert Panel (BA1; PMID:29300372).

Molecular Diagnostic Laboratory for Inherited Cardiovascular Disease, Montreal Heart Institute
Classification: Likely benign. Last evaluated: 2026-09-21. Review status: criteria provided, single submitter. Criteria: ACMG Guidelines, 2015. Collection method: clinical testing. Allele origin: germline. Affected: no. Not counted in ClinVar's aggregate classification.
Comment: BS1;BP7

CeGaT Center for Human Genetics Tuebingen
Classification: Likely benign. Last evaluated: 2026-07-01. Review status: criteria provided, single submitter. Criteria: CeGaT Center For Human Genetics Tuebingen Variant Classification Criteria Version 2. Collection method: clinical testing. Allele origin: germline. Affected: yes. Observed: 4 variant alleles. Not counted in ClinVar's aggregate classification.
Comment: MYH7: BP4, BP7

Women's Health and Genetics/Laboratory Corporation of America, LabCorp
Classification: Likely benign. Last evaluated: 2026-03-02. Review status: criteria provided, single submitter. Criteria: LabCorp Variant Classification Summary - May 2015. Collection method: clinical testing. Allele origin: germline. Not counted in ClinVar's aggregate classification.

Labcorp Genetics (formerly Invitae), Labcorp
Classification: Benign for Hypertrophic cardiomyopathy. Last evaluated: 2026-01-19. Review status: criteria provided, single submitter. Criteria: Invitae Variant Classification Sherloc (09022015). Collection method: clinical testing. Allele origin: germline. Not counted in ClinVar's aggregate classification.

Mayo Clinic Laboratories, Mayo Clinic
Classification: Benign. Last evaluated: 2025-01-09. Review status: criteria provided, single submitter. Criteria: ACMG Guidelines, 2015. Collection method: clinical testing. Allele origin: germline. Observed: 1 variant allele. Not counted in ClinVar's aggregate classification.
Comment: BA1, BP4, BP7

All of Us Research Program, National Institutes of Health
Classification: Benign for Cardiomyopathy. Last evaluated: 2024-02-05. Review status: criteria provided, single submitter. Criteria: ACMG Guidelines, 2015. Collection method: clinical testing. Allele origin: germline. Inheritance: Autosomal dominant inheritance. Observed: 13 variant alleles, 13 heterozygotes. Not counted in ClinVar's aggregate classification.
Comment: This study involves interpretation of variants in research participants for the purpose of population health screening. Participant phenotype was not available at the time of variant classification. Additional details can be found in publication PMID: 35346344, PMCID: PMC8962531

Color Diagnostics, LLC DBA Color Health
Classification: Benign for Cardiomyopathy. Last evaluated: 2018-10-21. Review status: criteria provided, single submitter. Criteria: ACMG Guidelines, 2015. Collection method: clinical testing. Allele origin: germline. Not counted in ClinVar's aggregate classification.

Illumina Laboratory Services, Illumina
Classification: Benign for MYH7-related skeletal myopathy. Last evaluated: 2018-01-13. Review status: criteria provided, single submitter. Criteria: ICSL Variant Classification Criteria 13 December 2019. Collection method: clinical testing. Allele origin: germline. Not counted in ClinVar's aggregate classification.
Comment: This variant was observed in the ICSL laboratory as part of a predisposition screen in an ostensibly healthy population. It had not been previously curated by ICSL or reported in the Human Gene Mutation Database (HGMD: prior to June 1st, 2018), and was therefore a candidate for classification through an automated scoring system. Utilizing variant allele frequency, disease prevalence and penetrance estimates, and inheritance mode, an automated score was calculated to assess if this variant is too frequent to cause the disease. Based on the score and internal cut-off values, a variant classified as benign is not then subjected to further curation. The score for this variant resulted in a classification of benign for this disease.

Illumina Laboratory Services, Illumina
Classification: Uncertain significance for Myosin storage myopathy. Last evaluated: 2018-01-13. Review status: criteria provided, single submitter. Criteria: ICSL Variant Classification Criteria 13 December 2019. Collection method: clinical testing. Allele origin: germline. Not counted in ClinVar's aggregate classification.

Illumina Laboratory Services, Illumina
Classification: Uncertain significance for Hypertrophic cardiomyopathy 1. Last evaluated: 2018-01-13. Review status: criteria provided, single submitter. Criteria: ICSL Variant Classification Criteria 13 December 2019. Collection method: clinical testing. Allele origin: germline. Not counted in ClinVar's aggregate classification.

Ambry Genetics
Classification: Likely benign for Cardiovascular phenotype. Last evaluated: 2016-08-23. Review status: criteria provided, single submitter. Criteria: Ambry Variant Classification Scheme 2023. Collection method: clinical testing. Allele origin: germline. Not counted in ClinVar's aggregate classification.

GeneDx
Classification: Benign. Last evaluated: 2014-03-12. Review status: criteria provided, single submitter. Criteria: GeneDx Variant Classification (06012015). Collection method: clinical testing. Allele origin: germline. Affected: yes. Not counted in ClinVar's aggregate classification.
Comment: This variant is considered likely benign or benign based on one or more of the following criteria: it is a conservative change, it occurs at a poorly conserved position in the protein, it is predicted to be benign by multiple in silico algorithms, and/or has population frequency not consistent with disease.

PreventionGenetics, part of Exact Sciences
Classification: Likely benign for MYH7-related condition. Last evaluated: 2019-06-14. Review status: no assertion criteria provided. Collection method: clinical testing. Allele origin: germline. Not counted in ClinVar's aggregate classification.
Comment: This variant is classified as likely benign based on ACMG/AMP sequence variant interpretation guidelines (Richards et al. 2015 PMID: 25741868, with internal and published modifications).

Literature cited by the submitters: PubMed 29300372 (cited by ClinGen Cardiomyopathy Variant Curation Expert Panel and Mayo Clinic Laboratories, Mayo Clinic).